The following is an entry in ClinVar:

NC_000016.10:g.(?_68737406)_(68738421_?)del

Genes: CDH1 (cadherin 1; plus strand), LOC130059290 (ATAC-STARR-seq lymphoblastoid silent region 7650; plus strand). Cytogenetic location: 16q22.1.
Variant type: Deletion.
Identifiers: ClinVar variation 583823 (VCV000583823.3).

ClinVar aggregate classification (germline): Pathogenic (1 of 4 stars; one submission).

Conditions:
Hereditary diffuse gastric adenocarcinoma (HDGC). Also called: DIFFUSE GASTRIC AND LOBULAR BREAST CANCER SYNDROME. Identifiers: Orphanet 26106, MedGen C1708349, MONDO:0007648, OMIM 137215.

Submission:

Labcorp Genetics (formerly Invitae), Labcorp
Classification: Pathogenic for Hereditary diffuse gastric cancer. Last evaluated: 2019-05-14. Review status: criteria provided, single submitter. Criteria: Invitae Variant Classification Sherloc (09022015). Collection method: clinical testing. Allele origin: germline.
Comment: This variant is a gross deletion of the genomic region encompassing exons 1-2 of the CDH1 gene, which includes the initiator codon. The 5' end of this event is unknown as it extends beyond the assayed region for this gene and therefore may encompass additional genes. The 3' boundary is likely confined to intron 2 of the CDH1 gene. This is expected to result in an absent or disrupted protein product. A similar deletion of exons 1-2 has been reported in the literature in an individual affected with diffuse gastric cancer (PMID: 19168852). Loss-of-function variants in CDH1 are known to be pathogenic (PMID: 15235021, 20373070). For these reasons, this variant has been classified as Pathogenic.

Literature cited by the submitters: PubMed 19168852.